The following is an entry in ClinVar:

NM_001165963.4(SCN1A):c.4002+2298T>C

Genes: SCN1A (sodium voltage-gated channel alpha subunit 1; minus strand), LOC102724058 (uncharacterized LOC102724058; plus strand). Cytogenetic location: 2q24.3.
Variant type: single nucleotide variant.
Coding change: c.4002+2298T>C on transcript NM_001165963.4 (MANE Select); 2298 bases into the intron after coding-DNA position 4002, T replaced by C.
Molecular consequence: intron variant.
Genome position (GRCh38, 1-based): chr2:166,007,421, A>G on the plus strand (T>C on the coding strand, the complement: SCN1A is on the minus strand). VCF-style: chr2-166007421-A-G. GRCh37 (hg19) VCF-style: chr2-166863931-A-G.
Other names: c.1560+2298T>C (NM_001353961.2); c.3969+2298T>C (NM_006920.6, NM_001353949.2, NM_001353950.2 and 2 more transcripts); c.3918+2298T>C (NM_001353958.2, NM_001353957.2, NM_001165964.3); c.4002+2298T>C (NM_001202435.3, NM_001353948.2); c.3966+2298T>C (NM_001353955.2, NM_001353954.2); c.3915+2298T>C (NM_001353960.2).
Identifiers: ClinVar variation 1901926 (VCV001901926.5), dbSNP rs1691807325, ClinGen allele CA1038836578.

ClinVar aggregate classification (germline): Uncertain significance (1 of 4 stars; one submission).

Conditions:
Early-infantile DEE. Also called: Ohtahara syndrome; Early infantile epileptic encephalopathy; Early infantile epileptic encephalopathy with suppression bursts. Identifiers: Orphanet 1934, MedGen C0393706, MONDO:0800491.

Allele frequency attached by ClinVar (database versions not stated): TOPMed below 0.00001; gnomAD 0.00001.
gnomAD v4.1: 1 of 151,292 alleles (0.00066%); highest among the groups gnomAD compares: Admixed American, 0.0066%; no homozygotes.

Submission:

Labcorp Genetics (formerly Invitae), Labcorp
Classification: Uncertain significance for Early-infantile DEE. Last evaluated: 2025-08-26. Review status: criteria provided, single submitter. Criteria: Invitae Variant Classification Sherloc (09022015). Collection method: clinical testing. Allele origin: germline.
Comment: This sequence change falls in intron 20 of the SCN1A gene. It does not directly change the encoded amino acid sequence of the SCN1A protein. However, this sequence change falls within a region encompassing a cryptic exon in the SCN1A gene, in which variants have been shown to alter splicing (PMID: 30526861, 34107977). This variant is not present in population databases (gnomAD no frequency). This variant has not been reported in the literature in individuals affected with SCN1A-related conditions. ClinVar contains an entry for this variant (Variation ID: 1901926). Algorithms developed to predict the effect of sequence changes on RNA splicing suggest that this variant is not likely to affect RNA splicing. In summary, the available evidence is currently insufficient to determine the role of this variant in disease. Therefore, it has been classified as a Variant of Uncertain Significance.

Literature cited by the submitters: PubMed 30526861; PubMed 34107977.